The following is an entry in ClinVar:

ClinVar aggregate classification (germline): Uncertain significance (1 of 4 stars; one submission).

Submission:

Labcorp Genetics (formerly Invitae), Labcorp
Classification: Uncertain significance. Last evaluated: 2022-11-08. Review status: criteria provided, single submitter. Criteria: Invitae Variant Classification Sherloc (09022015). Collection method: clinical testing. Allele origin: germline.
Comment: In summary, the available evidence is currently insufficient to determine the role of this variant in disease. Therefore, it has been classified as a Variant of Uncertain Significance. This sequence change replaces glycine, which is neutral and non-polar, with arginine, which is basic and polar, at codon 2950 of the HMCN1 protein (p.Gly2950Arg). This variant is not present in population databases (gnomAD no frequency). This variant has not been reported in the literature in individuals affected with HMCN1-related conditions. Algorithms developed to predict the effect of missense changes on protein structure and function (SIFT, PolyPhen-2, Align-GVGD) all suggest that this variant is likely to be disruptive.

NM_031935.3(HMCN1):c.8848G>C (p.Gly2950Arg)

Gene: HMCN1 (hemicentin 1; plus strand). Cytogenetic location: 1q31.1.
Variant type: single nucleotide variant.
Coding change: c.8848G>C on transcript NM_031935.3 (MANE Select); coding-DNA position 8848, G replaced by C.
Protein change: p.Gly2950Arg; replaces glycine 2950 with arginine.
Molecular consequence: missense variant.
Genome position (GRCh38, 1-based): chr1:186,082,925, G>C. VCF-style: chr1-186082925-G-C. GRCh37 (hg19) VCF-style: chr1-186052057-G-C.
Other names: short protein forms G2950R.
Identifiers: ClinVar variation 2117165 (VCV002117165.4), dbSNP rs2527868938, ClinGen allele CA343916004.